The following is an entry in ClinVar:

ClinVar aggregate classification (germline): Likely pathogenic. Review status: criteria provided, single submitter (1 of 4 stars). 2 submissions from 2 submitters: Likely pathogenic (1). 1 of the submissions does not count toward it. Last evaluated 2023-04-06.

Conditions:
Autosomal recessive proximal renal tubular acidosis (PRTAO). Also called: RENAL TUBULAR ACIDOSIS, PROXIMAL, WITH OCULAR ABNORMALITIES AND IMPAIRED INTELLECTUAL DEVELOPMENT; PROXIMAL RENAL TUBULAR ACIDOSIS-OCULAR ANOMALY SYNDROME; RENAL TUBULAR ACIDOSIS, PROXIMAL, WITH OCULAR ABNORMALITIES AND MENTAL RETARDATION; RTA, PROXIMAL, AUTOSOMAL RECESSIVE. Identifiers: Orphanet 93607, MedGen C1970309, MONDO:0011422, OMIM 604278.

Allele frequency attached by ClinVar (database versions not stated): gnomAD exomes below 0.00001.
gnomAD v4.1: 2 of 1,613,856 alleles (0.00012%); highest among the groups gnomAD compares: Non-Finnish European, 0.00017%; no homozygotes.

Submissions (2):

Mayo Clinic Laboratories, Mayo Clinic
Classification: Likely pathogenic. Last evaluated: 2023-04-06. Review status: criteria provided, single submitter. Criteria: ACMG Guidelines, 2015. Collection method: clinical testing. Allele origin: germline. Observed: 1 variant allele.
Comment: PP2, PP3, PM1, PM2_supporting, PM3_supporting, PS3_moderate

OMIM
Classification: Pathogenic for PROXIMAL RENAL TUBULAR ACIDOSIS-OCULAR ANOMALY SYNDROME. Last evaluated: 2024-06-20. Review status: no assertion criteria provided. Collection method: literature only. Allele origin: germline. Not counted in ClinVar's aggregate classification.

Literature cited by the submitters: PubMed 15471865 (cited by Mayo Clinic Laboratories, Mayo Clinic and OMIM); PubMed 15713912 (cited by Mayo Clinic Laboratories, Mayo Clinic); PubMed 23362273 (cited by Mayo Clinic Laboratories, Mayo Clinic).

NM_001098484.3(SLC4A4):c.1412C>T (p.Ser471Leu)

Gene: SLC4A4 (solute carrier family 4 member 4; plus strand). Cytogenetic location: 4q13.3.
Variant type: single nucleotide variant.
Coding change: c.1412C>T on transcript NM_001098484.3 (MANE Select); coding-DNA position 1412, C replaced by T.
Protein change: p.Ser471Leu; replaces serine 471 with leucine.
Molecular consequence: missense variant.
Genome position (GRCh38, 1-based): chr4:71,453,584, C>T. VCF-style: chr4-71453584-C-T. GRCh37 (hg19) VCF-style: chr4-72319301-C-T.
Other names: p.Ser471Leu; c.1412C>T, p.Ser471Leu (NM_001134742.2); c.1280C>T, p.Ser427Leu (NM_003759.4); short protein forms S427L, S471L.
Identifiers: ClinVar variation 2683646 (VCV002683646.1), dbSNP rs1725958418, ClinGen allele CA357418702.
Genomic context (GRCh38, chr4:71,453,584, plus strand): 5'-AGAGGAAAGCGCCATTTTTTGCCAGTGATTTTTATGATGCTTTAAATATTCAAGCTCTTT[C>T]GGCAATTCTCTTCATTTATCTGGCAACTGTAACTAATGCTATCACTTTTGGAGGACTGCT-3'
Protein context (NP_001091954.1, residues 461-481): FYDALNIQAL[Ser471Leu]AILFIYLATV